The following is an entry in ClinVar:

ClinVar aggregate classification (germline): Uncertain significance. Review status: criteria provided, multiple submitters, no conflicts (2 of 4 stars). 2 submissions from 2 submitters: Uncertain significance (2). Last evaluated 2023-11-15.

Conditions:
Lymphoproliferative syndrome 1 (LPFS1). Identifiers: Orphanet 238505, Orphanet 538963, MedGen C3552634, MONDO:0013081, OMIM 613011.

Allele frequency attached by ClinVar (database versions not stated): ExAC 0.00001; gnomAD exomes 0.00001.
gnomAD v4.1: 15 of 1,614,122 alleles (0.00093%); highest among the groups gnomAD compares: Middle Eastern, 0.017%; no homozygotes.

Submissions (2):

Mayo Clinic Laboratories, Mayo Clinic
Classification: Uncertain significance. Last evaluated: 2023-11-15. Review status: criteria provided, single submitter. Criteria: ACMG Guidelines, 2015. Collection method: clinical testing. Allele origin: germline. Observed: 1 variant allele.
Comment: BP4

Baylor Genetics
Classification: Uncertain significance for Lymphoproliferative syndrome 1. Last evaluated: 2020-05-05. Review status: criteria provided, single submitter. Criteria: ACMG Guidelines, 2015. Collection method: clinical testing. Allele origin: unknown. Affected: yes.
Comment: This variant was determined to be of uncertain significance according to ACMG Guidelines, 2015 [PMID:25741868].

NM_005546.4(ITK):c.1573G>A (p.Ala525Thr)

Gene: ITK (IL2 inducible T cell kinase; plus strand). Cytogenetic location: 5q33.3.
Variant type: single nucleotide variant.
Coding change: c.1573G>A on transcript NM_005546.4 (MANE Select); coding-DNA position 1573, G replaced by A.
Protein change: p.Ala525Thr; replaces alanine 525 with threonine.
Molecular consequence: missense variant.
Genome position (GRCh38, 1-based): chr5:157,245,939, G>A. VCF-style: chr5-157245939-G-A. GRCh37 (hg19) VCF-style: chr5-156672949-G-A.
Other names: p.Ala525Thr; short protein forms A525T.
Identifiers: ClinVar variation 1029978 (VCV001029978.2), dbSNP rs753217800, ClinGen allele CA3533141.